The following is an entry in ClinVar:

ClinVar aggregate classification (germline): Uncertain significance. Review status: criteria provided, multiple submitters, no conflicts (2 of 4 stars). 5 submissions from 5 submitters: Uncertain significance (5). Last evaluated 2026-07-29.

Conditions:
FGFR3-related disorder. Also called: FGFR3-related disorders.

Allele frequency attached by ClinVar (database versions not stated): gnomAD 0.00001; gnomAD exomes 0.00001.
gnomAD v4.1: 12 of 1,612,512 alleles (0.00074%); highest among the groups gnomAD compares: Middle Eastern, 0.017%; no homozygotes.

Submissions (5):

PreventionGenetics, part of Exact Sciences
Classification: Uncertain significance for FGFR3-related condition. Last evaluated: 2026-07-29. Review status: criteria provided, single submitter. Criteria: ACMG Guidelines, 2015. Collection method: clinical testing. Allele origin: germline.
Comment: The FGFR3 c.1172C>T variant is predicted to result in the amino acid substitution p.Ala391Val. This variant was reported in a prostate cancer cohort study (Table S8, Liang et al. 2022. PubMed ID: 36095024). This variant is reported in 0.00078% of alleles in individuals of European (Non-Finnish) descent in gnomAD. At this time, the clinical significance of this variant is uncertain due to the absence of conclusive functional and genetic evidence.

Labcorp Genetics (formerly Invitae), Labcorp
Classification: Uncertain significance. Last evaluated: 2024-12-31. Review status: criteria provided, single submitter. Criteria: Invitae Variant Classification Sherloc (09022015). Collection method: clinical testing. Allele origin: germline.
Comment: This sequence change replaces alanine, which is neutral and non-polar, with valine, which is neutral and non-polar, at codon 391 of the FGFR3 protein (p.Ala391Val). This variant is present in population databases (no rsID available, gnomAD 0.0008%). This variant has not been reported in the literature in individuals affected with FGFR3-related conditions. ClinVar contains an entry for this variant (Variation ID: 809609). Invitae Evidence Modeling of protein sequence and biophysical properties (such as structural, functional, and spatial information, amino acid conservation, physicochemical variation, residue mobility, and thermodynamic stability) indicates that this missense variant is not expected to disrupt FGFR3 protein function with a negative predictive value of 95%. This variant disrupts the p.Ala391 amino acid residue in FGFR3. Other variant(s) that disrupt this residue have been determined to be pathogenic (PMID: 7493034, 8880573, 11426459, 20199409). This suggests that this residue is clinically significant, and that variants that disrupt this residue are likely to be disease-causing. In summary, the available evidence is currently insufficient to determine the role of this variant in disease. Therefore, it has been classified as a Variant of Uncertain Significance.

GeneDx
Classification: Uncertain significance. Last evaluated: 2024-05-17. Review status: criteria provided, single submitter. Criteria: GeneDx Variant Classification Process June 2021. Collection method: clinical testing. Allele origin: germline. Affected: yes.
Comment: Not observed at significant frequency in large population cohorts (gnomAD); In silico analysis indicates that this missense variant does not alter protein structure/function; Has not been previously reported as pathogenic or benign in association with skeletal dysplasia or craniosynostosis to our knowledge; This variant is associated with the following publications: (PMID: 26517354, 24360661, 7493034, 20199409, 11426459, 10670894)

Blueprint Genetics
Classification: Uncertain significance. Last evaluated: 2019-09-15. Review status: criteria provided, single submitter. Criteria: ACMG Guidelines, 2015. Collection method: clinical testing. Allele origin: germline.

CeGaT Center for Human Genetics Tuebingen
Classification: Uncertain significance. Last evaluated: 2017-08-01. Review status: criteria provided, single submitter. Criteria: CeGaT Center For Human Genetics Tuebingen Variant Classification Criteria Version 2. Collection method: clinical testing. Allele origin: germline. Affected: yes. Observed: 1 variant allele.

Literature cited by the submitters: PubMed 7493034 (cited by Labcorp Genetics (formerly Invitae), Labcorp); PubMed 8880573 (cited by Labcorp Genetics (formerly Invitae), Labcorp); PubMed 11426459 (cited by Labcorp Genetics (formerly Invitae), Labcorp); PubMed 20199409 (cited by Labcorp Genetics (formerly Invitae), Labcorp).

NM_000142.5(FGFR3):c.1172C>T (p.Ala391Val)

Gene: FGFR3 (fibroblast growth factor receptor 3; plus strand). Cytogenetic location: 4p16.3.
Variant type: single nucleotide variant.
Coding change: c.1172C>T on transcript NM_000142.5 (MANE Select); coding-DNA position 1172, C replaced by T.
Protein change: p.Ala391Val; replaces alanine 391 with valine.
Molecular consequence: missense variant. On other transcripts: non-coding transcript variant (1), intron variant (1).
Genome position (GRCh38, 1-based): chr4:1,804,426, C>T. VCF-style: chr4-1804426-C-T. GRCh37 (hg19) VCF-style: chr4-1806153-C-T.
Other names: c.1178C>T, p.Ala393Val (NM_001163213.2); c.1172C>T, p.Ala391Val (NM_001354809.2, NM_001354810.2); c.931-398C>T (NM_022965.4); c.1172C>T (NM_000142.4); short protein forms A391V, A393V.
Identifiers: ClinVar variation 809609 (VCV000809609.48), dbSNP rs28931615, ClinGen allele CA355979160.